The following is an entry in ClinVar:

NM_002225.5(IVD):c.129C>A (p.Ser43Arg)

Gene: IVD (isovaleryl-CoA dehydrogenase; plus strand). Cytogenetic location: 15q15.1.
Variant type: single nucleotide variant.
Coding change: c.129C>A on transcript NM_002225.5 (MANE Select); coding-DNA position 129, C replaced by A.
Protein change: p.Ser43Arg; replaces serine 43 with arginine.
Molecular consequence: missense variant. On other transcripts: 5 prime UTR variant (1), non-coding transcript variant (1).
Genome position (GRCh38, 1-based): chr15:40,405,956, C>A. VCF-style: chr15-40405956-C-A. GRCh37 (hg19) VCF-style: chr15-40698157-C-A.
Other names: c.138C>A (NM_002225.3); c.129C>A, p.Ser43Arg (NM_001159508.3, NM_001354598.3, NM_001354599.3 and 2 more transcripts); c.-299C>A (NM_001354597.3); short protein forms S43R.
Identifiers: ClinVar variation 1409489 (VCV001409489.4), dbSNP rs918899977, ClinGen allele CA268823625.

ClinVar aggregate classification (germline): Uncertain significance. Review status: criteria provided, single submitter (1 of 4 stars). 2 submissions from 2 submitters: Uncertain significance (1). 1 of the submissions does not count toward it. Last evaluated 2022-06-04.

Conditions:
IVD-related disorder. Also called: IVD-related condition.
Isovaleryl-CoA dehydrogenase deficiency (IVA). Also called: ISOVALERIC ACID CoA DEHYDROGENASE DEFICIENCY; Isovaleric acidemia; Classic Isovaleric Acidemia; IVD DEFICIENCY. Identifiers: Orphanet 33, MedGen C0268575, MONDO:0009475, OMIM 243500.

Allele frequency attached by ClinVar (database versions not stated): gnomAD 0.00001.
gnomAD v4.1: 3 of 1,611,264 alleles (0.00019%); highest among the groups gnomAD compares: Admixed American, 0.0017%; 1 homozygote.

Submissions (2):

Labcorp Genetics (formerly Invitae), Labcorp
Classification: Uncertain significance for Isovaleryl-CoA dehydrogenase deficiency. Last evaluated: 2022-06-04. Review status: criteria provided, single submitter. Criteria: Invitae Variant Classification Sherloc (09022015). Collection method: clinical testing. Allele origin: germline.
Comment: This sequence change replaces serine, which is neutral and polar, with arginine, which is basic and polar, at codon 46 of the IVD protein (p.Ser46Arg). This variant is not present in population databases (gnomAD no frequency). This variant has not been reported in the literature in individuals affected with IVD-related conditions. ClinVar contains an entry for this variant (Variation ID: 1409489). Algorithms developed to predict the effect of missense changes on protein structure and function (SIFT, PolyPhen-2, Align-GVGD) all suggest that this variant is likely to be tolerated. In summary, the available evidence is currently insufficient to determine the role of this variant in disease. Therefore, it has been classified as a Variant of Uncertain Significance.

PreventionGenetics, part of Exact Sciences
Classification: Uncertain significance for IVD-related condition. Last evaluated: 2024-08-15. Review status: no assertion criteria provided. Collection method: clinical testing. Allele origin: germline. Not counted in ClinVar's aggregate classification.
Comment: The IVD c.138C>A variant is predicted to result in the amino acid substitution p.Ser46Arg. To our knowledge, this variant has not been reported in the literature or in a large population database, indicating this variant is rare. At this time, the clinical significance of this variant is uncertain due to the absence of conclusive functional and genetic evidence.